The following is an entry in ClinVar:

ClinVar aggregate classification (germline): Pathogenic (1 of 4 stars; one submission).

Conditions:
Familial adenomatous polyposis 1 (FAP1). Also called: FAMILIAL ADENOMATOUS POLYPOSIS 1, ATTENUATED; POLYPOSIS, ADENOMATOUS INTESTINAL. Identifiers: MedGen C2713442, MONDO:0021056, OMIM 175100. Disease mechanism: loss of function.

Submission:

Labcorp Genetics (formerly Invitae), Labcorp
Classification: Pathogenic for Familial adenomatous polyposis 1. Last evaluated: 2023-05-17. Review status: criteria provided, single submitter. Criteria: Invitae Variant Classification Sherloc (09022015). Collection method: clinical testing. Allele origin: germline.
Comment: For these reasons, this variant has been classified as Pathogenic. A different truncation (p.Tyr2645Lysfs*14) that lies downstream of this variant has been determined to be pathogenic (PMID: 9824584, 1316610, 27081525, 8381579, 22135120, Invitae). This suggests that deletion of this region of the APC protein is causative of disease. This variant is expected to disrupt the EB1 and HDLG binding sites, which mediate interactions with the cytoskeleton (PMID: 15311282, 17293347). While functional studies have not been performed to directly test the effect on APC protein function, this suggests that disruption of the C-terminal portion of the protein is functionally important. This variant has not been reported in the literature in individuals affected with APC-related conditions. This variant is not present in population databases (gnomAD no frequency). This sequence change creates a premature translational stop signal (p.Ala2298Serfs*4) in the APC gene. While this is not anticipated to result in nonsense mediated decay, it is expected to disrupt the last 546 amino acid(s) of the APC protein.

Literature cited by the submitters: PubMed 9824584; PubMed 1316610; PubMed 27081525; PubMed 8381579; PubMed 22135120; PubMed 15311282; PubMed 17293347.

NM_000038.6(APC):c.6891dup (p.Ala2298fs)

Gene: APC (APC regulator of Wnt signaling pathway; plus strand). Cytogenetic location: 5q22.2.
Variant type: Duplication.
Coding change: c.6891dup on transcript NM_000038.6 (MANE Select); coding-DNA position 6891, one base duplicated (A; older notation c.6891dupA).
Protein change: p.Ala2298fs; shifts the reading frame from alanine 2298.
Molecular consequence: frameshift variant. On other transcripts: non-coding transcript variant (2).
Genome position (GRCh38, 1-based): chr5:112,842,485, A duplicated; the last of 3 consecutive A bases (chr5:112,842,483-112,842,485); duplicating any one gives the same sequence. VCF-style (leftmost placement, unchanged base first): chr5-112842482-T-TA. GRCh37 (hg19) VCF-style: chr5-112178179-T-TA.
Other names: c.6891dup, p.Ala2298fs (NM_001127510.3, NM_001354895.2, NM_001407450.1); c.6837dup, p.Ala2280fs (NM_001127511.3); c.6945dup, p.Ala2316fs (NM_001354896.2, NM_001407447.1, NM_001407448.1 and 1 more transcripts); c.6714dup, p.Ala2239fs (NM_001354901.2, NM_001407453.1); c.6618dup, p.Ala2207fs (NM_001354902.2); c.6921dup, p.Ala2308fs (NM_001354897.2); c.6816dup, p.Ala2273fs (NM_001354898.2); c.6807dup, p.Ala2270fs (NM_001354899.2); and 11 more; short protein forms A2257fs, A2291fs, A2015fs, A2169fs, A2172fs, A2197fs, A2207fs, A2239fs.
Identifiers: ClinVar variation 2865141 (VCV002865141.3), dbSNP rs2533751552, ClinGen allele CA2739271286.